The following is an entry in ClinVar:

ClinVar aggregate classification (germline): Uncertain significance (1 of 4 stars; one submission).

Submission:

GeneDx
Classification: Uncertain significance. Last evaluated: 2019-05-31. Review status: criteria provided, single submitter. Criteria: GeneDx Variant Classification Process June 2021. Collection method: clinical testing. Allele origin: germline. Affected: yes.
Comment: Not observed in large population cohorts (Lek et al., 2016); In silico analysis, which includes protein predictors and evolutionary conservation, supports a deleterious effect; Has not been previously published as pathogenic or benign to our knowledge

NM_001039141.3(TRIOBP):c.6310G>C (p.Gly2104Arg)

Gene: TRIOBP (TRIO and F-actin binding protein; plus strand). Cytogenetic location: 22q13.1.
Variant type: single nucleotide variant.
Coding change: c.6310G>C on transcript NM_001039141.3 (MANE Select); coding-DNA position 6310, G replaced by C.
Protein change: p.Gly2104Arg; replaces glycine 2104 with arginine.
Molecular consequence: missense variant.
Genome position (GRCh38, 1-based): chr22:37,759,250, G>C. VCF-style: chr22-37759250-G-C. GRCh37 (hg19) VCF-style: chr22-38155257-G-C.
Other names: c.1171G>C, p.Gly391Arg (NM_007032.5, NM_138632.2); short protein forms G2104R, G391R.
Identifiers: ClinVar variation 1306149 (VCV001306149.2), dbSNP rs2145871952, ClinGen allele CA411508356.